The following is an entry in ClinVar:

NM_139076.3(ABRAXAS1):c.1207T>A (p.Tyr403Asn)

Gene: ABRAXAS1 (abraxas 1, BRCA1 A complex subunit; minus strand). Cytogenetic location: 4q21.23.
Variant type: single nucleotide variant.
Coding change: c.1207T>A on transcript NM_139076.3 (MANE Select); coding-DNA position 1207, T replaced by A.
Protein change: p.Tyr403Asn; replaces tyrosine 403 with asparagine.
Molecular consequence: missense variant.
Genome position (GRCh38, 1-based): chr4:83,462,492, A>T on the plus strand (T>A on the coding strand, the complement: ABRAXAS1 is on the minus strand). VCF-style: chr4-83462492-A-T. GRCh37 (hg19) VCF-style: chr4-84383645-A-T.
Other names: c.880T>A, p.Tyr294Asn (NM_001345962.2); short protein forms Y294N, Y403N.
Identifiers: ClinVar variation 1800039 (VCV001800039.2), dbSNP rs2529417567, ClinGen allele CA357254888.
Genomic context (GRCh38, chr4:83,462,492, plus strand): 5'-AGCCAAATAAAAAAATCTCCTTGTAAGGTTAAAAGGATCAAAATGTAGGAGACCGTGAAT[A>T]TTCACCAAAACCCTTCATCTTTTCAATTTCTTCATCTGTTTCTGGGCTGCTCATTTTGGA-3'
Protein context (NP_620775.2, residues 393-409): EIEKMKGFGE[Tyr403Asn]SRSPTF

ClinVar aggregate classification (germline): Uncertain significance (1 of 4 stars; one submission).

Submission:

Ambry Genetics
Classification: Uncertain significance. Last evaluated: 2022-05-19. Review status: criteria provided, single submitter. Criteria: Ambry Variant Classification Scheme 2023. Collection method: clinical testing. Allele origin: germline.
Comment: The p.Y403N variant (also known as c.1207T>A), located in coding exon 9 of the FAM175A gene, results from a T to A substitution at nucleotide position 1207. The tyrosine at codon 403 is replaced by asparagine, an amino acid with dissimilar properties. This amino acid position is conserved. In addition, the in silico prediction for this alteration is inconclusive. Since supporting evidence is limited at this time, the clinical significance of this alteration remains unclear.